The following is an entry in ClinVar:

ClinVar aggregate classification (germline): Likely benign. Review status: criteria provided, multiple submitters, no conflicts (2 of 4 stars). 2 submissions from 2 submitters: Likely benign (2). Last evaluated 2025-12-25.

Conditions:
GREB1L-related disorder. Also called: GREB1L-related condition.

gnomAD v4.1: 78 of 1,551,506 alleles (0.005%); highest among the groups gnomAD compares: African/African-American, 0.11%; no homozygotes.

Submissions (2):

Labcorp Genetics (formerly Invitae), Labcorp
Classification: Likely benign. Last evaluated: 2025-12-25. Review status: criteria provided, single submitter. Criteria: Invitae Variant Classification Sherloc (09022015). Collection method: clinical testing. Allele origin: germline.

PreventionGenetics, part of Exact Sciences
Classification: Likely benign for GREB1L-related condition. Last evaluated: 2025-07-15. Review status: criteria provided, single submitter. Criteria: ACMG Guidelines, 2015. Collection method: clinical testing. Allele origin: germline.
Comment: This variant is classified as likely benign based on ACMG/AMP sequence variant interpretation guidelines (Richards et al. 2015 PMID: 25741868, with internal and published modifications).

NM_001142966.3(GREB1L):c.5266A>G (p.Ile1756Val)

Gene: GREB1L (GREB1 like retinoic acid receptor coactivator; plus strand). Cytogenetic location: 18q11.2.
Variant type: single nucleotide variant.
Coding change: c.5266A>G on transcript NM_001142966.3 (MANE Select); coding-DNA position 5266, A replaced by G.
Protein change: p.Ile1756Val; replaces isoleucine 1756 with valine.
Molecular consequence: missense variant.
Genome position (GRCh38, 1-based): chr18:21,516,749, A>G. VCF-style: chr18-21516749-A-G. GRCh37 (hg19) VCF-style: chr18-19096710-A-G.
Other names: c.5395A>G, p.Ile1799Val (NM_001410867.1); c.4939A>G, p.Ile1647Val (NM_001410868.1); c.5266A>G (NM_001142966.1); short protein forms I1799V, I1647V, I1756V.
Identifiers: ClinVar variation 4752841 (VCV004752841.2).
Genomic context (GRCh38, chr18:21,516,749, plus strand): 5'-AGTCTCATGAAGAAACATGTTCAGGTTGGAGGGCAAAGGGACTTTATCATTAAACCAAAG[A>G]TCATGGTGAGTACCGCAAGCTTGATTCAAGTGCTGAAAATAAGCACAATGATAATGACTA-3'
Protein context (NP_001136438.1, residues 1746-1766): GQRDFIIKPK[Ile1756Val]MVSESLAPIL